The following is an entry in ClinVar:

NM_198129.4(LAMA3):c.5546del (p.Gly1849fs)

Gene: LAMA3 (laminin subunit alpha 3; plus strand). Cytogenetic location: 18q11.2.
Variant type: Deletion.
Coding change: c.5546del on transcript NM_198129.4 (MANE Select); coding-DNA position 5546, one base deleted (G; older notation c.5546delG).
Protein change: p.Gly1849fs; shifts the reading frame from glycine 1849.
Molecular consequence: frameshift variant.
Genome position (GRCh38, 1-based): chr18:23,894,991, G deleted; the last of 3 consecutive G bases (chr18:23,894,989-23,894,991); deleting any one gives the same sequence. VCF-style (leftmost placement, unchanged base first): chr18-23894988-AG-A. GRCh37 (hg19) VCF-style: chr18-21474952-AG-A.
Other names: c.719del, p.Gly240fs (NM_000227.6, NM_001127718.4); c.5546del, p.Gly1849fs (NM_001127717.4); short protein forms G1849fs, G240fs.
Identifiers: ClinVar variation 1069385 (VCV001069385.10), dbSNP rs760487161, ClinGen allele CA8916092.

ClinVar aggregate classification (germline): Pathogenic/Likely pathogenic. Review status: criteria provided, multiple submitters, no conflicts (2 of 4 stars). 3 submissions from 3 submitters: Pathogenic (2); Likely pathogenic (1). Last evaluated 2024-01-12.

Conditions:
Epidermolysis bullosa, junctional 2A, intermediate. Also called: EPIDERMOLYSIS BULLOSA, JUNCTIONAL 2A, GENERALIZED INTERMEDIATE; EPIDERMOLYSIS BULLOSA, JUNCTIONAL 2A, NON-HERLITZ TYPE. Identifiers: MedGen C5676936, MONDO:0030746, OMIM 619783.
Laryngo-onycho-cutaneous syndrome (JEB2C). Also called: LOGIC SYNDROME; EPIDERMOLYSIS BULLOSA, JUNCTIONAL 2C, LARYNGOONYCHOCUTANEOUS; SHABBIR SYNDROME. Identifiers: Orphanet 2407, MedGen C1328355, MONDO:0009513, OMIM 245660.
Epidermolysis bullosa, junctional 2B, severe. Also called: EPIDERMOLYSIS BULLOSA, JUNCTIONAL 2B, GENERALIZED SEVERE; EPIDERMOLYSIS BULLOSA, JUNCTIONAL 2B, HERLITZ TYPE. Identifiers: MedGen C5676937, MONDO:0030747, OMIM 619784.
Junctional epidermolysis bullosa. Identifiers: Orphanet 305, MedGen C0079301, MONDO:0017612.

Submissions (3):

Fulgent Genetics
Classification: Likely pathogenic for Laryngo-onycho-cutaneous syndrome; Epidermolysis bullosa, junctional 2A, intermediate; Epidermolysis bullosa, junctional 2B, severe. Last evaluated: 2024-01-12. Review status: criteria provided, single submitter. Criteria: ACMG Guidelines, 2015. Collection method: clinical testing. Allele origin: germline.

Labcorp Genetics (formerly Invitae), Labcorp
Classification: Pathogenic. Last evaluated: 2023-11-25. Review status: criteria provided, single submitter. Criteria: Invitae Variant Classification Sherloc (09022015). Collection method: clinical testing. Allele origin: germline.
Comment: This sequence change creates a premature translational stop signal (p.Gly240Alafs*2) in the LAMA3 gene. It is expected to result in an absent or disrupted protein product. Loss-of-function variants in LAMA3 are known to be pathogenic (PMID: 10366601, 11810295, 12915477, 16473856, 17362460, 22434185, 23869449, 27827380, 28087116). This variant is present in population databases (rs760487161, gnomAD 0.003%). This premature translational stop signal has been observed in individual(s) with Herlitz junctional epidermolysis bullosa (PMID: 16473856). ClinVar contains an entry for this variant (Variation ID: 1069385). Algorithms developed to predict the effect of sequence changes on RNA splicing suggest that this variant may disrupt the consensus splice site. For these reasons, this variant has been classified as Pathogenic.

Women's Health and Genetics/Laboratory Corporation of America, LabCorp
Classification: Pathogenic for Junctional epidermolysis bullosa. Last evaluated: 2022-04-24. Review status: criteria provided, single submitter. Criteria: LabCorp Variant Classification Summary - May 2015. Collection method: clinical testing. Allele origin: germline.
Comment: Variant summary: LAMA3 c.719delG (p.Gly240AlafsX2) results in a premature termination codon, predicted to cause a truncation of the encoded protein or absence of the protein due to nonsense mediated decay, which are commonly known mechanisms for disease. Truncations downstream of this position have been classified as pathogenic by our laboratory. The variant allele was found at a frequency of 1.2e-05 in 250154 control chromosomes. c.719delG has been reported in the literature in individuals affected with Junctional Epidermolysis Bullosa (example, Varki_2006). These data indicate that the variant may be associated with disease. One clinical diagnostic laboratory has submitted clinical-significance assessments for this variant to ClinVar after 2014 and classified the variant as pathogenic. Based on the evidence outlined above, the variant was classified as pathogenic.

Literature cited by the submitters: PubMed 10366601 (cited by Labcorp Genetics (formerly Invitae), Labcorp); PubMed 11810295 (cited by Labcorp Genetics (formerly Invitae), Labcorp); PubMed 12915477 (cited by Labcorp Genetics (formerly Invitae), Labcorp); PubMed 16473856 (cited by Labcorp Genetics (formerly Invitae), Labcorp and Women's Health and Genetics/Laboratory Corporation of America, LabCorp); PubMed 17362460 (cited by Labcorp Genetics (formerly Invitae), Labcorp); PubMed 22434185 (cited by Labcorp Genetics (formerly Invitae), Labcorp); PubMed 23869449 (cited by Labcorp Genetics (formerly Invitae), Labcorp); PubMed 27827380 (cited by Labcorp Genetics (formerly Invitae), Labcorp); PubMed 28087116 (cited by Labcorp Genetics (formerly Invitae), Labcorp).